The following is an entry in ClinVar:

ClinVar aggregate classification (germline): Benign. Review status: criteria provided, multiple submitters, no conflicts (2 of 4 stars). 9 submissions from 8 submitters: Benign (6). 3 of the submissions do not count toward it. Last evaluated 2026-02-04.

Conditions:
Retinitis pigmentosa 39 (RP39). Identifiers: Orphanet 791, MedGen C3151138, MONDO:0013436, OMIM 613809.
Usher syndrome type 2A. Also called: RETINAL DISEASE IN USHER SYNDROME TYPE IIA, MODIFIER OF; USHER SYNDROME, TYPE IIA. Identifiers: Orphanet 231178, Orphanet 886, MedGen C1848634, MONDO:0010169, OMIM 276901.

Allele frequency attached by ClinVar (database versions not stated): gnomAD exomes 0.00057 and 0.00159; ExAC 0.00193; 1000 Genomes Project 0.00639; gnomAD 0.00645 and 0.00696; 1000 Genomes Project 30x 0.00671; ESP Exome Variant Server 0.00715; TOPMed 0.00740.
gnomAD v4.1: 1,855 of 1,613,870 alleles (0.11%); highest among the groups gnomAD compares: African/African-American, 2.2%; 23 homozygotes.

Submissions (9):

Labcorp Genetics (formerly Invitae), Labcorp
Classification: Benign. Last evaluated: 2026-02-04. Review status: criteria provided, single submitter. Criteria: Invitae Variant Classification Sherloc (09022015). Collection method: clinical testing. Allele origin: germline.

Genome-Nilou Lab
Classification: Benign for Retinitis pigmentosa 39. Last evaluated: 2023-11-04. Review status: criteria provided, single submitter. Criteria: ACMG Guidelines, 2015. Collection method: clinical testing. Allele origin: germline. Affected: no.

Genome-Nilou Lab
Classification: Benign for Usher syndrome type 2A. Last evaluated: 2023-11-04. Review status: criteria provided, single submitter. Criteria: ACMG Guidelines, 2015. Collection method: clinical testing. Allele origin: germline. Affected: no.

ARUP Laboratories, Molecular Genetics and Genomics, ARUP Laboratories
Classification: Benign. Last evaluated: 2019-03-08. Review status: criteria provided, single submitter. Criteria: ARUP Molecular Germline Variant Investigation Process. Collection method: clinical testing. Allele origin: germline.

GeneDx
Classification: Benign. Last evaluated: 2018-10-17. Review status: criteria provided, single submitter. Criteria: GeneDx Variant Classification Process June 2021. Collection method: clinical testing. Allele origin: germline. Affected: yes.
Comment: This variant is associated with the following publications: (PMID: 28838317)

Laboratory for Molecular Medicine, Mass General Brigham Personalized Medicine
Classification: Benign. Last evaluated: 2011-07-07. Review status: criteria provided, single submitter. Criteria: LMM Criteria. Collection method: clinical testing. Allele origin: germline. Observed: 12 variant alleles.
Comment: Val3518Ile in exon 53 of USH2A: This variant is not expected to have clinical si gnificance because it has been identified in over 1% of controls (rs75397806).

Natera, Inc.
Classification: Benign for Usher syndrome type 2A. Last evaluated: 2019-12-06. Review status: no assertion criteria provided. Collection method: clinical testing. Allele origin: germline. Not counted in ClinVar's aggregate classification.

Clinical Genetics DNA and cytogenetics Diagnostics Lab, Erasmus MC, Erasmus Medical Center
Classification: Likely benign. Review status: no assertion criteria provided. Collection method: clinical testing. Allele origin: germline. Affected: yes. Study: VKGL Data-share Consensus. Not counted in ClinVar's aggregate classification.

Clinical Genetics, Academic Medical Center
Classification: Benign. Review status: no assertion criteria provided. Collection method: clinical testing. Allele origin: germline. Affected: yes. Study: VKGL Data-share Consensus. Not counted in ClinVar's aggregate classification.

NM_206933.4(USH2A):c.10552G>A (p.Val3518Ile)

Gene: USH2A (usherin; minus strand). Cytogenetic location: 1q41.
Variant type: single nucleotide variant.
Coding change: c.10552G>A on transcript NM_206933.4 (MANE Select); coding-DNA position 10552, G replaced by A.
Protein change: p.Val3518Ile; replaces valine 3518 with isoleucine.
Molecular consequence: missense variant.
Genome position (GRCh38, 1-based): chr1:215,782,771, C>T on the plus strand (G>A on the coding strand, the complement: USH2A is on the minus strand). VCF-style: chr1-215782771-C-T. GRCh37 (hg19) VCF-style: chr1-215956113-C-T.
Other names: short protein forms V3518I.
Identifiers: ClinVar variation 48351 (VCV000048351.30), dbSNP rs75397806, ClinGen allele CA143225.